The following is an entry in ClinVar:

NM_024685.4(BBS10):c.602_603del (p.Cys201fs)

Gene: BBS10 (Bardet-Biedl syndrome 10; minus strand). Cytogenetic location: 12q21.2.
Variant type: Microsatellite.
Coding change: c.602_603del on transcript NM_024685.4 (MANE Select); coding-DNA positions 602 to 603, 2 bases deleted (GT; older notation c.602_603delGT).
Protein change: p.Cys201fs; shifts the reading frame from cysteine 201.
Molecular consequence: frameshift variant.
Genome position (GRCh38, 1-based): chr12:76,347,382-76,347,383, AC deleted on the plus strand (GT on the coding strand, the reverse complement: BBS10 is on the minus strand); deleting any 2 consecutive bases within chr12:76,347,382-76,347,385 gives the same sequence; the c. name uses the placement nearest the transcript's 3' end. VCF-style (leftmost placement, unchanged base first): chr12-76347381-TAC-T. GRCh37 (hg19) VCF-style: chr12-76741161-TAC-T.
Other names: short protein forms C201fs.
Identifiers: ClinVar variation 4816167 (VCV004816167.1).

ClinVar aggregate classification (germline): Likely pathogenic (1 of 4 stars; one submission).

Conditions:
Bardet-Biedl syndrome 10 (BBS10). Identifiers: Orphanet 110, MedGen C1859568, MONDO:0014438, OMIM 615987.

Submission:

Natera, Inc.
Classification: Likely pathogenic for Bardet-Biedl syndrome type 10. Last evaluated: 2024-10-21. Review status: criteria provided, single submitter. Criteria: Natera Variant Classification Schema (03/2026). Collection method: clinical testing. Allele origin: germline.
Comment: The c.602_603delGT variant in BBS10 is a frameshift variant predicted to shift the reading frame beginning at codon 201 and leads to a stop codon 4 codons downstream. This variant is expected to result in nonsense mediated decay, truncation, or a dysfunctional protein product. This variant is rare in the general population with a frequency below the threshold expected for the associated phenotype(s). Given the available evidence, this variant is classified as Likely Pathogenic.